The following is an entry in ClinVar:

NM_001104631.2(PDE4D):c.455+124684C>T

Genes: PDE4D (phosphodiesterase 4D; minus strand), LOC126807405 (BRD4-independent group 4 enhancer GRCh37_chr5:59063568-59064767; plus strand). Cytogenetic location: 5q12.1.
Variant type: single nucleotide variant.
Coding change: c.455+124684C>T on transcript NM_001104631.2 (MANE Select); 124684 bases into the intron after coding-DNA position 455, C replaced by T.
Molecular consequence: intron variant. On other transcripts: missense variant (3), 5 prime UTR variant (1).
Genome position (GRCh38, 1-based): chr5:59,768,484, G>A on the plus strand (C>T on the coding strand, the complement: PDE4D is on the minus strand). VCF-style: chr5-59768484-G-A. GRCh37 (hg19) VCF-style: chr5-59064310-G-A.
Other names: c.26C>T, p.Thr9Ile (NM_001197218.2, NM_001364601.1, NM_001364602.2); c.-733C>T (NM_001364603.1); c.272+220004C>T (NM_001364599.1, NM_001165899.2, NM_001364600.2); c.-240+220004C>T (NM_001349243.2); c.242+220004C>T (NM_001349241.2); short protein forms T9I.
Identifiers: ClinVar variation 4985252 (VCV004985252.1).

ClinVar aggregate classification (germline): Uncertain significance (1 of 4 stars; one submission).

Conditions:
PDE4D-related disorder. Also called: PDE4D-related condition.

gnomAD v4.1: 403 of 1,598,388 alleles (0.025%); highest among the groups gnomAD compares: Admixed American, 0.045%; no homozygotes.

Submission:

PreventionGenetics, part of Exact Sciences
Classification: Uncertain significance for PDE4D-related condition. Last evaluated: 2026-02-19. Review status: criteria provided, single submitter. Criteria: ACMG Guidelines, 2015. Collection method: clinical testing. Allele origin: germline.
Comment: The PDE4D c.26C>T variant is predicted to result in the amino acid substitution p.Thr9Ile. To our knowledge, this variant has not been reported in the literature. This variant is reported in 0.032% of alleles in individuals of European (Non-Finnish) descent in gnomAD. At this time, the clinical significance of this variant is uncertain due to the absence of conclusive functional and genetic evidence.